The following is an entry in ClinVar:

ClinVar aggregate classification (germline): Pathogenic/Likely pathogenic. Review status: criteria provided, multiple submitters, no conflicts (2 of 4 stars). 17 submissions from 13 submitters: Pathogenic (8); Likely pathogenic (4). 5 of the submissions do not count toward it. Last evaluated 2025-10-20.

Conditions:
Muscular dystrophy-dystroglycanopathy (congenital with brain and eye anomalies), type A3. Also called: WALKER-WARBURG SYNDROME OR MUSCLE-EYE-BRAIN DISEASE, POMGNT1-RELATED; Muscular dystrophy-dystroglycanopathy (congenital with brain and eye anomalies), type A, 3; Congenital muscular dystrophy-dystroglycanopathy with brain and eye anomalies, type A3. Identifiers: MedGen C3151519, MONDO:0009667, OMIM 253280.
Muscular dystrophy-dystroglycanopathy (congenital with impaired intellectual development), type B, 3. Also called: MUSCULAR DYSTROPHY, CONGENITAL, POMGNT1-RELATED; Muscular dystrophy-dystroglycanopathy (congenital with intellectual disability), type B3. Identifiers: MedGen C3150412, MONDO:0013155, OMIM 613151.
Autosomal recessive limb-girdle muscular dystrophy type 2O. Also called: Limb-Girdle Muscular Dystrophy Type 3C; MUSCULAR DYSTROPHY-DYSTROGLYCANOPATHY, LIMB-GIRDLE, POMGNT1-RELATED; MUSCULAR DYSTROPHY-DYSTROGLYCANOPATHY (LIMB-GIRDLE), TYPE C, 3. Identifiers: Orphanet 206564, MedGen C3150417, MONDO:0013161, OMIM 613157.
Retinitis pigmentosa 76 (RP76). Identifiers: MedGen C4310704, MONDO:0014929, OMIM 617123.
Retinal dystrophy. Also called: Inherited retinal dystrophy. Identifiers: Orphanet 71862, MedGen C0854723, MeSH D058499, MONDO:0019118, HP:0000556.
Autosomal recessive limb-girdle muscular dystrophy. Identifiers: Orphanet 102015, MedGen C2931907, MONDO:0015152.
Muscular dystrophy-dystroglycanopathy. Also called: Congenital muscular dystrophy due to dystroglycanopathy. Identifiers: Orphanet 370953, MedGen C5679911, MONDO:0018276.
Muscle eye brain disease (MEB). Also called: Santavuori congenital muscular dystrophy. Identifiers: Orphanet 588, Orphanet 899, MedGen C0457133, MONDO:0018939.

Allele frequency attached by ClinVar (database versions not stated): TOPMed 0.00002; gnomAD 0.00004 and 0.00003; gnomAD exomes 0.00002.
gnomAD v4.1: 30 of 1,614,042 alleles (0.0019%); highest among the groups gnomAD compares: African/African-American, 0.0027%; no homozygotes.

Submissions 1 to 8 of 17:

Natera, Inc.
Classification: Likely pathogenic for Muscle-eye-brain disease. Last evaluated: 2025-10-20. Review status: criteria provided, single submitter. Criteria: Natera Variant Classification Schema (03/2026). Collection method: clinical testing. Allele origin: germline.
Comment: The c.1324C>T variant in POMGNT1 is a missense variant predicted to cause substitution of arginine to cysteine at amino acid 442. This variant is rare in the general population with a frequency below the threshold expected for the associated phenotype(s). This variant has been observed in one or more individuals affected with the associated recessive disease, as either homozygous or compound heterozygous with a second variant (PMID: 25390965, 17906881, 15236414). Additionally, this variant has been observed to segregate in affected family members (PMID: 17906881, 15236414). Computational prediction algorithms indicate this variant is likely to affect gene or protein function. Given the available evidence, this variant is classified as Likely Pathogenic.

Labcorp Genetics (formerly Invitae), Labcorp
Classification: Pathogenic for Autosomal recessive limb-girdle muscular dystrophy type 2O; Muscular dystrophy-dystroglycanopathy (congenital with impaired intellectual development), type B, 3. Last evaluated: 2024-12-23. Review status: criteria provided, single submitter. Criteria: Invitae Variant Classification Sherloc (09022015). Collection method: clinical testing. Allele origin: germline.
Comment: This sequence change replaces arginine, which is basic and polar, with cysteine, which is neutral and slightly polar, at codon 442 of the POMGNT1 protein (p.Arg442Cys). This variant is present in population databases (rs28940869, gnomAD 0.007%). This missense change has been observed in individuals with clinical features of muscle-eye-brain disease (PMID: 15236414, 17906881). It has also been observed to segregate with disease in related individuals. This variant is also known as c.1465C>T. ClinVar contains an entry for this variant (Variation ID: 3992). Invitae Evidence Modeling of protein sequence and biophysical properties (such as structural, functional, and spatial information, amino acid conservation, physicochemical variation, residue mobility, and thermodynamic stability) indicates that this missense variant is expected to disrupt POMGNT1 protein function with a positive predictive value of 95%. Experimental studies have shown that this missense change affects POMGNT1 function (PMID: 21361872). For these reasons, this variant has been classified as Pathogenic.

Fulgent Genetics
Classification: Pathogenic for Muscular dystrophy-dystroglycanopathy (congenital with brain and eye anomalies), type A3; Muscular dystrophy-dystroglycanopathy (congenital with impaired intellectual development), type B, 3; Autosomal recessive limb-girdle muscular dystrophy type 2O; Retinitis pigmentosa 76. Last evaluated: 2024-04-18. Review status: criteria provided, single submitter. Criteria: ACMG Guidelines, 2015. Collection method: clinical testing. Allele origin: germline.

Baylor Genetics
Classification: Likely pathogenic for Muscular dystrophy-dystroglycanopathy (congenital with brain and eye anomalies), type A3. Last evaluated: 2024-03-20. Review status: criteria provided, single submitter. Criteria: ACMG Guidelines, 2015. Collection method: clinical testing. Allele origin: unknown.

Broad Center for Mendelian Genomics, Broad Institute of MIT and Harvard
Classification: Likely pathogenic for Muscular dystrophy-dystroglycanopathy. Last evaluated: 2023-01-24. Review status: criteria provided, single submitter. Criteria: ACMG Guidelines, 2015. Collection method: curation. Allele origin: germline. Inheritance: Autosomal recessive inheritance.
Comment: The p.Arg442Cys variant in POMGNT1 has been reported in four individuals with muscular dystrophy-dystroglycanopathy (PMID: 25390965, 17906881, 15236414), segregated with disease in 2 affected relatives from 2 families (PMID: 17906881, 15236414), and has been identified in 0.006% (1/15428) of European (non-Finnish) chromosomes by the Genome Aggregation Database (gnomAD; dbSNP ID:rs28940869). Although this variant has been seen in the general population in a heterozygous state, its frequency is low enough to be consistent with a recessive carrier frequency. This variant has also been reported in ClinVar (Variation ID#:3992) and has been interpreted as pathogenic/likely pathogenic by OMIM, GeneDx, Invitae, Baylor Genetics, Women's Health and Genetics/Laboratory Corporation of America, LabCorp, Eurofins NTD LLC (GA), Center for Pediatric Genomic Medicine (Children's Mercy Hospital and Clinics), Athena Diagnostics Inc., and Counsyl. Of these four affected individuals, two were homozygotes, which increases the likelihood that the p.Arg442Cys variant is pathogenic (PMID: 17906881). In vitro functional studies provide some evidence that the p.Arg442Cys variant may impact protein function, as reflected by reduced catalytic activity in enzymatic activity assays (PMID: 21361872). However, these types of assays may not accurately represent biological function. Computational prediction tools and conservation analyses suggest that this variant may impact the protein, though this information is not predictive enough to determine pathogenicity. One additional likely pathogenic variant, resulting in a different amino acid change at the same position, p.Arg442His, has been reported in association with disease in ClinVar, slightly supporting that a change at this position may not be tolerated (Variation ID: 872288). In summary, although additional studies are required to fully establish its clinical significance, this variant is likely pathogenic for POMGNT1-associated muscular dystrophy-dystroglycanopathy. ACMG/AMP Criteria applied: PS3_supporting, PM2_Supporting, PM3, PM5_Supporting, PP3, PP1 (Richards 2015).

Women's Health and Genetics/Laboratory Corporation of America, LabCorp
Classification: Pathogenic for Autosomal recessive limb-girdle muscular dystrophy. Last evaluated: 2022-03-31. Review status: criteria provided, single submitter. Criteria: LabCorp Variant Classification Summary - May 2015. Collection method: clinical testing. Allele origin: germline.
Comment: Variant summary: POMGNT1 c.1324C>T (p.Arg442Cys) results in a non-conservative amino acid change in the encoded protein sequence. Five of five in-silico tools predict a damaging effect of the variant on protein function. The variant was absent in 251304 control chromosomes (gnomAD). c.1324C>T has been reported in the literature in multiple individuals affected with muscle-eye-brain disease (e.g. Hehr_2007, Voglmeir_2011, Khan_2012). These data indicate that the variant is very likely to be associated with disease. Experimental evidence evaluating an impact on protein function demonstrated the variant to be not active (Voglmeir_2011). Six ClinVar submitters (evaluation after 2014) cite the variant as pathogenic/likely pathogenic. Based on the evidence outlined above, the variant was classified as pathogenic.

Institute of Human Genetics, Univ. Regensburg, Univ. Regensburg
Classification: Pathogenic for Retinal dystrophy. Last evaluated: 2019-01-01. Review status: criteria provided, single submitter. Criteria: ACMG Guidelines, 2015. Collection method: clinical testing. Allele origin: germline. Affected: yes.

Athena Diagnostics
Classification: Likely pathogenic. Last evaluated: 2017-12-20. Review status: criteria provided, single submitter. Criteria: Athena Diagnostics Criteria. Collection method: clinical testing. Allele origin: germline.

NM_017739.4(POMGNT1):c.1324C>T (p.Arg442Cys)

Genes: POMGNT1 (protein O-linked mannose N-acetylglucosaminyltransferase 1 (beta 1,2-); minus strand), TSPAN1 (tetraspanin 1; plus strand). Cytogenetic location: 1p34.1.
Variant type: single nucleotide variant.
Coding change: c.1324C>T on transcript NM_017739.4 (MANE Select); coding-DNA position 1324, C replaced by T.
Protein change: p.Arg442Cys; replaces arginine 442 with cysteine.
Molecular consequence: missense variant.
Genome position (GRCh38, 1-based): chr1:46,192,397, G>A on the plus strand (C>T on the coding strand, the complement: POMGNT1 is on the minus strand). VCF-style: chr1-46192397-G-A. GRCh37 (hg19) VCF-style: chr1-46658069-G-A.
Other names: p.R442C:CGT>TGT; NM_017739.4(POMGNT1):c.1324C>T; c.1324C>T, p.Arg442Cys (NM_001243766.2, NM_001410783.1); c.1258C>T, p.Arg420Cys (NM_001290129.3); c.895C>T, p.Arg299Cys (NM_001290130.2); short protein forms R442C, R420C, R299C.
Identifiers: ClinVar variation 3992 (VCV000003992.25), dbSNP rs28940869, ClinGen allele CA116547.